The following is an entry in ClinVar:

ClinVar aggregate classification (germline): Uncertain significance (1 of 4 stars; one submission).

gnomAD v4.1: 3 of 1,614,006 alleles (0.00019%); highest among the groups gnomAD compares: Non-Finnish European, 0.00025%; no homozygotes.

Submission:

Women's Health and Genetics/Laboratory Corporation of America, LabCorp
Classification: Uncertain significance. Last evaluated: 2026-02-18. Review status: criteria provided, single submitter. Criteria: LabCorp Variant Classification Summary - May 2015. Collection method: clinical testing. Allele origin: germline.
Comment: Variant summary: F11 c.215G>C (p.Arg72Pro) results in a non-conservative amino acid change in the encoded protein sequence. Algorithms developed to predict the effect of missense changes on protein structure and function are either unavailable or do not agree on the potential impact of this missense change. The variant was absent in 251424 control chromosomes. The available data on variant occurrences in the general population are insufficient to allow any conclusion about variant significance. c.215G>C has been observed in at least one heterozygous individual affected with mild biochemical Factor XI Deficiency who was phenotypically asymptomatic (e.g. Spena_2009). These report(s) do not provide unequivocal conclusions about association of the variant with AR-Hereditary Factor XI Deficiency Disease. To our knowledge, no experimental evidence demonstrating an impact on protein function has been reported. The following publication has been ascertained in the context of this evaluation (PMID: 19718484). No submitters have cited clinical-significance assessments for this variant to ClinVar. Based on the evidence outlined above, the variant was classified as uncertain significance.

Literature cited by the submitters: PubMed 19718484.

NM_000128.4(F11):c.215G>C (p.Arg72Pro)

Gene: F11 (coagulation factor XI; plus strand). Cytogenetic location: 4q35.2.
Variant type: single nucleotide variant.
Coding change: c.215G>C on transcript NM_000128.4 (MANE Select); coding-DNA position 215, G replaced by C.
Protein change: p.Arg72Pro; replaces arginine 72 with proline.
Molecular consequence: missense variant.
Genome position (GRCh38, 1-based): chr4:186,271,768, G>C. VCF-style: chr4-186271768-G-C. GRCh37 (hg19) VCF-style: chr4-187192922-G-C.
Other names: c.215G>C, p.Arg72Pro (NM_001354804.2, NM_001440590.1, NM_001440593.1 and 5 more transcripts); short protein forms R72P.
Identifiers: ClinVar variation 4848246 (VCV004848246.1).
Genomic context (GRCh38, chr4:186,271,768, plus strand): 5'-ACCACCCAAGATGTTTACTCTTCACTTTCACGGCGGAATCACCATCTGAGGATCCCACCC[G>C]ATGGTAAATGCTTATGTTTCTACATCGAGGAGACAGATTTTTAAAGGGAGATTGCTATTC-3'
Protein context (NP_000119.1, residues 62-82): TAESPSEDPT[Arg72Pro]WFTCVLKDSV